The following is an entry in ClinVar:

ClinVar aggregate classification (germline): Conflicting classifications of pathogenicity. Review status: criteria provided, conflicting classifications (1 of 4 stars). 4 submissions from 4 submitters: Uncertain significance (1); Benign (1); Likely benign (1). 1 of the submissions does not count toward it. Last evaluated 2026-01-29.

Conditions:
PLEC-related disorder. Also called: PLEC-related condition; PLEC-related disorders.
Epidermolysis bullosa simplex 5B, with muscular dystrophy (EBS5B). Also called: Epidermolysis bullosa simplex with muscular dystrophy; EPIDERMOLYSIS BULLOSA SIMPLEX AND LIMB-GIRDLE MUSCULAR DYSTROPHY. Identifiers: Orphanet 257, MedGen C2931072, MONDO:0009181, OMIM 226670.
Autosomal recessive limb-girdle muscular dystrophy type 2Q (LGMDR17). Also called: MUSCULAR DYSTROPHY, LIMB-GIRDLE, AUTOSOMAL RECESSIVE 17. Identifiers: Orphanet 254361, MedGen C3150989, MONDO:0013390, OMIM 613723.
Epidermolysis bullosa simplex, Ogna type (EBS5A). Also called: Pidermolysis bullosa simplex 5A, Ogna type; EPIDERMOLYSIS BULLOSA SIMPLEX 5A, OGNA TYPE. Identifiers: Orphanet 79401, MedGen C0432317, MONDO:0007555, OMIM 131950.
Epidermolysis bullosa simplex 5C, with pyloric atresia (EBS5C). Also called: PLEC-Related Epidermolysis Bullosa with Pyloric Atresia; Epidermolysis bullosa simplex with pyloric atresia; PLEC1-Related Epidermolysis Bullosa with Pyloric Atresia. Identifiers: Orphanet 158684, MedGen C2677349, MONDO:0012807, OMIM 612138.
Epidermolysis bullosa simplex with nail dystrophy (EBS5D). Identifiers: MedGen C4225309, MONDO:0014661, OMIM 616487.

Allele frequency attached by ClinVar (database versions not stated): gnomAD 0.00024 and 0.00025; TOPMed 0.00032; ExAC 0.00034; gnomAD exomes 0.00045.
gnomAD v4.1: 186 of 1,613,544 alleles (0.012%); highest among the groups gnomAD compares: Admixed American, 0.25%; no homozygotes.

Submissions (4):

Labcorp Genetics (formerly Invitae), Labcorp
Classification: Likely benign for Autosomal recessive limb-girdle muscular dystrophy type 2Q; Epidermolysis bullosa simplex, Ogna type; Epidermolysis bullosa simplex with nail dystrophy; Epidermolysis bullosa simplex 5C, with pyloric atresia; Epidermolysis bullosa simplex 5B, with muscular dystrophy. Last evaluated: 2026-01-29. Review status: criteria provided, single submitter. Criteria: Invitae Variant Classification Sherloc (09022015). Collection method: clinical testing. Allele origin: germline.

Revvity Omics, Revvity
Classification: Benign. Last evaluated: 2024-10-11. Review status: criteria provided, single submitter. Criteria: ACMG Guidelines, 2015. Collection method: clinical testing. Allele origin: germline.

Blueprint Genetics
Classification: Uncertain significance. Last evaluated: 2024-10-07. Review status: criteria provided, single submitter. Criteria: ACMG Guidelines, 2015. Collection method: clinical testing. Allele origin: germline.

PreventionGenetics, part of Exact Sciences
Classification: Likely benign for PLEC-related condition. Last evaluated: 2023-11-25. Review status: no assertion criteria provided. Collection method: clinical testing. Allele origin: germline. Not counted in ClinVar's aggregate classification.
Comment: This variant is classified as likely benign based on ACMG/AMP sequence variant interpretation guidelines (Richards et al. 2015 PMID: 25741868, with internal and published modifications).

NM_201384.3(PLEC):c.7339C>T (p.Arg2447Cys)

Gene: PLEC (plectin; minus strand). Cytogenetic location: 8q24.3.
Variant type: single nucleotide variant.
Coding change: c.7339C>T on transcript NM_201384.3 (MANE Select); coding-DNA position 7339, C replaced by T.
Protein change: p.Arg2447Cys; replaces arginine 2447 with cysteine.
Molecular consequence: missense variant.
Genome position (GRCh38, 1-based): chr8:143,922,590, G>A on the plus strand (C>T on the coding strand, the complement: PLEC is on the minus strand). VCF-style: chr8-143922590-G-A. GRCh37 (hg19) VCF-style: chr8-144996758-G-A.
Other names: c.7420C>T, p.Arg2474Cys (NM_000445.5); c.7297C>T, p.Arg2433Cys (NM_201378.4); c.7273C>T, p.Arg2425Cys (NM_201379.3); c.7750C>T, p.Arg2584Cys (NM_201380.4); c.7243C>T, p.Arg2415Cys (NM_201381.3); c.7339C>T, p.Arg2447Cys (NM_201382.4); c.7351C>T, p.Arg2451Cys (NM_201383.3); short protein forms R2447C, R2474C, R2415C, R2451C, R2425C, R2433C, R2584C.
Identifiers: ClinVar variation 539032 (VCV000539032.15), dbSNP rs781936848, ClinGen allele CA4925684.